The following is an entry in ClinVar:

ClinVar aggregate classification (germline): Uncertain significance (1 of 4 stars; one submission).

gnomAD v4.1: 2 of 1,613,020 alleles (0.00012%); highest among the groups gnomAD compares: South Asian, 0.0011%; no homozygotes.

Submission:

GeneDx
Classification: Uncertain significance. Last evaluated: 2024-02-09. Review status: criteria provided, single submitter. Criteria: GeneDx Variant Classification Process June 2021. Collection method: clinical testing. Allele origin: germline. Affected: yes.
Comment: Not observed at significant frequency in large population cohorts (gnomAD); In silico analysis supports that this missense variant has a deleterious effect on protein structure/function; Has not been previously published as pathogenic or benign to our knowledge

NM_194248.3(OTOF):c.3382C>T (p.Pro1128Ser)

Gene: OTOF (otoferlin; minus strand). Cytogenetic location: 2p23.3.
Variant type: single nucleotide variant.
Coding change: c.3382C>T on transcript NM_194248.3 (MANE Select); coding-DNA position 3382, C replaced by T.
Protein change: p.Pro1128Ser; replaces proline 1128 with serine.
Molecular consequence: missense variant.
Genome position (GRCh38, 1-based): chr2:26,474,017, G>A on the plus strand (C>T on the coding strand, the complement: OTOF is on the minus strand). VCF-style: chr2-26474017-G-A. GRCh37 (hg19) VCF-style: chr2-26696885-G-A.
Other names: c.3382C>T, p.Pro1128Ser (NM_001287489.2); c.1141C>T, p.Pro381Ser (NM_004802.4, NM_194323.3); c.1312C>T, p.Pro438Ser (NM_194322.3); short protein forms P1128S, P381S, P438S.
Identifiers: ClinVar variation 3368883 (VCV003368883.1).